The following is an entry in ClinVar:

ClinVar aggregate classification (germline): Conflicting classifications of pathogenicity. Review status: criteria provided, conflicting classifications (1 of 4 stars). 3 submissions from 3 submitters: Uncertain significance (2); Likely benign (1). Last evaluated 2026-05-22.

Conditions:
Inborn genetic diseases. Identifiers: MedGen C0950123, MeSH D030342.
RNASEH2C-related disorder. Also called: RNASEH2C-related condition.
Aicardi-Goutieres syndrome 3. Identifiers: Orphanet 51, MedGen C1835916, MONDO:0012471, OMIM 610329.

Allele frequency attached by ClinVar (database versions not stated): gnomAD 0.00002 and 0.00003; TOPMed 0.00003; ExAC 0.00004; gnomAD exomes 0.00004 and 0.00007.
gnomAD v4.1: 68 of 1,614,112 alleles (0.0042%); highest among the groups gnomAD compares: East Asian, 0.074%; no homozygotes.

Submissions (3):

PreventionGenetics, part of Exact Sciences
Classification: Likely benign for RNASEH2C-related condition. Last evaluated: 2026-05-22. Review status: criteria provided, single submitter. Criteria: ACMG Guidelines, 2015. Collection method: clinical testing. Allele origin: germline.
Comment: This variant is classified as likely benign based on ACMG/AMP sequence variant interpretation guidelines (Richards et al. 2015 PMID: 25741868, with internal and published modifications).

Labcorp Genetics (formerly Invitae), Labcorp
Classification: Uncertain significance for Aicardi-Goutieres syndrome 3. Last evaluated: 2024-10-15. Review status: criteria provided, single submitter. Criteria: Invitae Variant Classification Sherloc (09022015). Collection method: clinical testing. Allele origin: germline.
Comment: This sequence change falls in intron 2 of the RNASEH2C gene. It does not directly change the encoded amino acid sequence of the RNASEH2C protein. It affects a nucleotide within the consensus splice site. This variant is present in population databases (rs779293116, gnomAD 0.06%). This variant has not been reported in the literature in individuals affected with RNASEH2C-related conditions. ClinVar contains an entry for this variant (Variation ID: 305362). Variants that disrupt the consensus splice site are a relatively common cause of aberrant splicing (PMID: 17576681, 9536098). Algorithms developed to predict the effect of sequence changes on RNA splicing suggest that this variant is not likely to affect RNA splicing. In summary, the available evidence is currently insufficient to determine the role of this variant in disease. Therefore, it has been classified as a Variant of Uncertain Significance.

Ambry Genetics
Classification: Uncertain significance for Inborn genetic diseases. Last evaluated: 2022-06-21. Review status: criteria provided, single submitter. Criteria: Ambry Variant Classification Scheme 2023. Collection method: clinical testing. Allele origin: germline.
Comment: The c.348+6C>T intronic alteration consists of a C to T substitution nucleotides after coding exon 2 in the RNASEH2C gene. Based on insufficient or conflicting evidence, the clinical significance of this alteration remains unclear.

Literature cited by the submitters: PubMed 17576681 (cited by Labcorp Genetics (formerly Invitae), Labcorp); PubMed 9536098 (cited by Labcorp Genetics (formerly Invitae), Labcorp).

NM_032193.4(RNASEH2C):c.348+6C>T

Gene: RNASEH2C (ribonuclease H2 subunit C; minus strand). Cytogenetic location: 11q13.1.
Variant type: single nucleotide variant.
Coding change: c.348+6C>T on transcript NM_032193.4 (MANE Select); 6 bases into the intron after coding-DNA position 348, C replaced by T.
Molecular consequence: intron variant.
Genome position (GRCh38, 1-based): chr11:65,720,236, G>A on the plus strand (C>T on the coding strand, the complement: RNASEH2C is on the minus strand). VCF-style: chr11-65720236-G-A. GRCh37 (hg19) VCF-style: chr11-65487707-G-A.
Identifiers: ClinVar variation 305362 (VCV000305362.12), dbSNP rs779293116, ClinGen allele CA6107729.